The following is an entry in ClinVar:

NM_003482.4(KMT2D):c.6620C>A (p.Ala2207Glu)

Gene: KMT2D (lysine methyltransferase 2D; minus strand). Cytogenetic location: 12q13.12.
Variant type: single nucleotide variant.
Coding change: c.6620C>A on transcript NM_003482.4 (MANE Select); coding-DNA position 6620, C replaced by A.
Protein change: p.Ala2207Glu; replaces alanine 2207 with glutamic acid.
Molecular consequence: missense variant.
Genome position (GRCh38, 1-based): chr12:49,041,150, G>T on the plus strand (C>A on the coding strand, the complement: KMT2D is on the minus strand). VCF-style: chr12-49041150-G-T. GRCh37 (hg19) VCF-style: chr12-49434933-G-T.
Other names: short protein forms A2207E.
Identifiers: ClinVar variation 3635144 (VCV003635144.2).

ClinVar aggregate classification (germline): Uncertain significance (1 of 4 stars; one submission).

Conditions:
Kabuki syndrome. Also called: NIIKAWA-KUROKI SYNDROME; Kabuki make-up syndrome. Identifiers: Orphanet 2322, MedGen C0796004, MONDO:0016512.

Submission:

Labcorp Genetics (formerly Invitae), Labcorp
Classification: Uncertain significance for Kabuki syndrome. Last evaluated: 2024-07-15. Review status: criteria provided, single submitter. Criteria: Invitae Variant Classification Sherloc (09022015). Collection method: clinical testing. Allele origin: germline.
Comment: This sequence change replaces alanine, which is neutral and non-polar, with glutamic acid, which is acidic and polar, at codon 2207 of the KMT2D protein (p.Ala2207Glu). This variant is not present in population databases (gnomAD no frequency). This variant has not been reported in the literature in individuals affected with KMT2D-related conditions. Advanced modeling of protein sequence and biophysical properties (such as structural, functional, and spatial information, amino acid conservation, physicochemical variation, residue mobility, and thermodynamic stability) performed at Invitae indicates that this missense variant is not expected to disrupt KMT2D protein function with a negative predictive value of 95%. In summary, the available evidence is currently insufficient to determine the role of this variant in disease. Therefore, it has been classified as a Variant of Uncertain Significance.